The following is an entry in ClinVar:

NM_001142800.2(EYS):c.8892_8896del (p.Tyr2964_Lys2966delinsTer)

Genes: EYS (EGF-like photoreceptor maintenance factor; minus strand), PHF3 (PHD finger protein 3; plus strand). Cytogenetic location: 6q12.
Variant type: Deletion.
Coding change: c.8892_8896del on transcript NM_001142800.2 (MANE Select); coding-DNA positions 8892 to 8896, 5 bases deleted (CATTA; older notation c.8892_8896delCATTA).
Protein change: p.Tyr2964_Lys2966delinsTer.
Molecular consequence: nonsense. On other transcripts: 3 prime UTR variant (5).
Genome position (GRCh38, 1-based): chr6:63,721,135-63,721,139, TAATG deleted on the plus strand (CATTA on the coding strand, the reverse complement: EYS is on the minus strand); deleting any 5 consecutive bases within chr6:63,721,135-63,721,142 gives the same sequence; the c. name uses the placement nearest the transcript's 3' end. VCF-style (leftmost placement, unchanged base first): chr6-63721134-TTAATG-T. GRCh37 (hg19) VCF-style: chr6-64431030-TTAATG-T.
Other names: c.*7430_*7434del (NM_001290259.2, NM_001370348.2, NM_001370349.2 and 2 more transcripts); c.8955_8959del, p.Tyr2985_Lys2987delinsTer (NM_001292009.2).
Identifiers: ClinVar variation 834807 (VCV000834807.12), dbSNP rs1768367412, ClinGen allele CA916082854.

ClinVar aggregate classification (germline): Pathogenic/Likely pathogenic. Review status: criteria provided, multiple submitters, no conflicts (2 of 4 stars). 4 submissions from 4 submitters: Pathogenic (1); Likely pathogenic (3). Last evaluated 2024-04-11.

Conditions:
Retinitis pigmentosa 25 (RP25). Identifiers: Orphanet 791, MedGen C1864446, MONDO:0011272, OMIM 602772.
EYS-related disorder. Also called: EYS-related condition.

Submissions (4):

Fulgent Genetics
Classification: Likely pathogenic for Retinitis pigmentosa 25. Last evaluated: 2024-04-11. Review status: criteria provided, single submitter. Criteria: ACMG Guidelines, 2015. Collection method: clinical testing. Allele origin: germline.

Labcorp Genetics (formerly Invitae), Labcorp
Classification: Pathogenic. Last evaluated: 2023-12-05. Review status: criteria provided, single submitter. Criteria: Invitae Variant Classification Sherloc (09022015). Collection method: clinical testing. Allele origin: germline.
Comment: This sequence change creates a premature translational stop signal (p.Tyr2964*) in the EYS gene. While this is not anticipated to result in nonsense mediated decay, it is expected to disrupt the last 181 amino acid(s) of the EYS protein. This variant is not present in population databases (gnomAD no frequency). This variant has not been reported in the literature in individuals affected with EYS-related conditions. ClinVar contains an entry for this variant (Variation ID: 834807). This variant disrupts a region of the EYS protein in which other variant(s) (p.Val3096Leufs*28) have been determined to be pathogenic (PMID: 24474277, 26261414, 29550188). This suggests that this is a clinically significant region of the protein, and that variants that disrupt it are likely to be disease-causing. For these reasons, this variant has been classified as Pathogenic.

Baylor Genetics
Classification: Likely pathogenic for Retinitis pigmentosa 25. Last evaluated: 2022-07-13. Review status: criteria provided, single submitter. Criteria: ACMG Guidelines, 2015. Collection method: clinical testing. Allele origin: unknown.

Blueprint Genetics
Classification: Likely pathogenic for EYS-related disorders. Last evaluated: 2021-11-12. Review status: criteria provided, single submitter. Criteria: ACMG Guidelines, 2015. Collection method: clinical testing. Allele origin: germline. Affected: yes. Observed: 1 variant allele.

Literature cited by the submitters: PubMed 24474277 (cited by Labcorp Genetics (formerly Invitae), Labcorp); PubMed 26261414 (cited by Labcorp Genetics (formerly Invitae), Labcorp); PubMed 29550188 (cited by Labcorp Genetics (formerly Invitae), Labcorp).